The following is an entry in ClinVar:

ClinVar aggregate classification (germline): Pathogenic. Review status: reviewed by expert panel (3 of 4 stars). 12 submissions from 12 submitters: Pathogenic (1). 11 of the submissions do not count toward it. Last evaluated 2016-09-08.

Conditions:
Familial cancer of breast. Also called: Hereditary breast cancer; hereditary breast carcinoma; BREAST CANCER, FAMILIAL. Identifiers: Orphanet 227535, MedGen C0346153, MONDO:0016419, OMIM 114480. Disease mechanism: loss of function.
Breast-ovarian cancer, familial, susceptibility to, 1 (BROVCA1). Also called: OVARIAN CANCER, SUSCEPTIBILITY TO; BRCA1 Hereditary Breast and Ovarian Cancer. Identifiers: Orphanet 145, MedGen C2676676, MONDO:0011450, OMIM 604370. Disease mechanism: loss of function.
Pancreatic cancer, susceptibility to, 4. Identifiers: Orphanet 1333, MedGen C3280442, MONDO:0013685, OMIM 614320.
Fanconi anemia, complementation group S (FANCS). Identifiers: MedGen C4554406, MONDO:0054748, OMIM 617883.
Hereditary cancer-predisposing syndrome. Also called: Tumor predisposition; Neoplastic Syndromes, Hereditary; Hereditary Cancer Syndrome; Hereditary neoplastic syndrome. Identifiers: Orphanet 140162, MedGen C0027672, MeSH D009386, MONDO:0015356.
Hereditary breast ovarian cancer syndrome. Also called: Hereditary breast and ovarian cancer syndrome (HBOC); Hereditary breast and ovarian cancer syndrome; Hereditary breast and ovarian cancer; Hereditary breast and/or ovarian cancer syndrome; Breast and ovarian cancer; BRCA1- and BRCA2-Associated Hereditary Breast and Ovarian Cancer. Identifiers: Orphanet 145, MedGen C0677776, MeSH D061325, MONDO:0003582. Disease mechanism: loss of function.

Submissions (12):

Evidence-based Network for the Interpretation of Germline Mutant Alleles (ENIGMA)
Classification: Pathogenic for Breast-ovarian cancer, familial, susceptibility to, 1. Last evaluated: 2016-09-08. Review status: reviewed by expert panel. Criteria: ENIGMA BRCA1/2 Classification Criteria (2015). Collection method: curation. Allele origin: germline.
Comment: Variant allele predicted to encode a truncated non-functional protein.

Women's Health and Genetics/Laboratory Corporation of America, LabCorp
Classification: Pathogenic for Hereditary breast ovarian cancer syndrome. Last evaluated: 2025-09-02. Review status: criteria provided, single submitter. Criteria: LabCorp Variant Classification Summary - May 2015. Collection method: clinical testing. Allele origin: germline. Not counted in ClinVar's aggregate classification.
Comment: Variant summary: BRCA1 c.2594delA (p.Lys865SerfsX28) results in a premature termination codon, predicted to cause a truncation of the encoded protein or absence of the protein due to nonsense mediated decay, which are commonly known mechanisms for disease. The variant was absent in 251102 control chromosomes. c.2594delA has been observed in at least one individual affected with Hereditary Breast And Ovarian Cancer Syndrome (e.g. Flaum_2022). To our knowledge, no experimental evidence demonstrating an impact on protein function has been reported. The following publication has been ascertained in the context of this evaluation (PMID: 36169650). ClinVar contains an entry for this variant (Variation ID: 54612). Based on the evidence outlined above, the variant was classified as pathogenic.

Quest Diagnostics Nichols Institute San Juan Capistrano
Classification: Pathogenic. Last evaluated: 2024-03-26. Review status: criteria provided, single submitter. Criteria: Quest Diagnostics criteria. Collection method: clinical testing. Allele origin: unknown. Not counted in ClinVar's aggregate classification.
Comment: The BRCA1 c.2594del (p.Lys865Serfs*28) variant alters the translational reading frame of the BRCA1 mRNA and causes the premature termination of BRCA1 protein synthesis. This variant has been reported in the published literature in individuals with ovarian cancer (PMID: 9406579 (1998), 36169650 (2022)). This variant has also been identified in a world-wide screen of BRCA1/BRCA2 mutation carriers (PMID: 29446198 (2018)). This variant has not been reported in large, multi-ethnic general populations (Genome Aggregation Database). Based on the available information, this variant is classified as pathogenic.

Ambry Genetics
Classification: Pathogenic for Hereditary cancer-predisposing syndrome. Last evaluated: 2023-12-14. Review status: criteria provided, single submitter. Criteria: Ambry Variant Classification Scheme 2023. Collection method: clinical testing. Allele origin: germline. Not counted in ClinVar's aggregate classification.
Comment: The c.2594delA pathogenic mutation, located in coding exon 9 of the BRCA1 gene, results from a deletion of one nucleotide at nucleotide position 2594, causing a translational frameshift with a predicted alternate stop codon (p.K865Sfs*28). This alteration has been identified in families with history of breast and ovarian cancers (Miesfeldt S et al. Cancer Genet Cytogenet, 1998 Jan;100:43-8). (Flaum N et al. Genet Med, 2022 Dec;24:2578-2586). This variant is considered to be rare based on population cohorts in the Genome Aggregation Database (gnomAD). In addition to the clinical data presented in the literature, this alteration is expected to result in loss of function by premature protein truncation or nonsense-mediated mRNA decay. As such, this alteration is interpreted as a disease-causing mutation.

Color Diagnostics, LLC DBA Color Health
Classification: Pathogenic for Hereditary cancer-predisposing syndrome. Last evaluated: 2023-06-26. Review status: criteria provided, single submitter. Criteria: ACMG Guidelines, 2015. Collection method: clinical testing. Allele origin: germline. Not counted in ClinVar's aggregate classification.
Comment: This variant deletes 1 nucleotide in exon 10 of the BRCA1 gene, creating a frameshift and premature translation stop signal. This variant is expected to result in an absent or non-functional protein product. This variant has been reported in two siblings both affected with ovarian cancer (PMID: 9406579). This variant has not been identified in the general population by the Genome Aggregation Database (gnomAD). Loss of BRCA1 function is a known mechanism of disease. Based on the available evidence, this variant is classified as Pathogenic.

Fulgent Genetics
Classification: Pathogenic for Familial cancer of breast; Breast-ovarian cancer, familial, susceptibility to, 1; Pancreatic cancer, susceptibility to, 4; Fanconi anemia, complementation group S. Last evaluated: 2021-12-05. Review status: criteria provided, single submitter. Criteria: ACMG Guidelines, 2015. Collection method: clinical testing. Allele origin: unknown. Not counted in ClinVar's aggregate classification.

Institute for Biomarker Research, Medical Diagnostic Laboratories, L.L.C.
Classification: Pathogenic for Hereditary cancer-predisposing syndrome. Last evaluated: 2017-07-12. Review status: criteria provided, single submitter. Criteria: ACMG Guidelines, 2015. Collection method: clinical testing. Allele origin: germline. Not counted in ClinVar's aggregate classification.

ARUP Laboratories, Molecular Genetics and Genomics, ARUP Laboratories
Classification: Pathogenic. Last evaluated: 2017-01-25. Review status: criteria provided, single submitter. Criteria: ARUP Molecular Germline Variant Investigation Process. Collection method: clinical testing. Allele origin: germline. Not counted in ClinVar's aggregate classification.

Labcorp Genetics (formerly Invitae), Labcorp
Classification: Pathogenic for Hereditary breast ovarian cancer syndrome. Last evaluated: 2015-09-07. Review status: criteria provided, single submitter. Criteria: Invitae Variant Classification Sherloc (09022015). Collection method: clinical testing. Allele origin: germline. Not counted in ClinVar's aggregate classification.
Comment: For these reasons, this variant has been classified as Pathogenic. Truncating variants in BRCA1 are known to be pathogenic. This particular truncation has been reported in identical twins, both with ovarian cancer (PMID: 9406579). This variant is also known as 2711delA in the literature. This sequence change deletes 1 nucleotide from exon 10 of the BRCA1 mRNA (c.2594delA), causing a frameshift at codon 865. This creates a premature translational stop signal (p.Lys865Serfs*28) and is expected to result in an absent or disrupted protein product.

Research Molecular Genetics Laboratory, Women's College Hospital, University of Toronto
Classification: Pathogenic for Hereditary breast ovarian cancer syndrome. Last evaluated: 2014-01-31. Review status: no assertion criteria provided. Collection method: research. Allele origin: germline. Affected: yes. Study: The Canadian Open Genetics Repository (COGR). Not counted in ClinVar's aggregate classification.

Sharing Clinical Reports Project (SCRP)
Classification: Pathogenic for Breast-ovarian cancer, familial 1. Last evaluated: 2007-09-24. Review status: no assertion criteria provided. Collection method: clinical testing. Allele origin: germline. Not counted in ClinVar's aggregate classification.

Breast Cancer Information Core (BIC) (BRCA1)
Classification: Pathogenic for Breast-ovarian cancer, familial 1. Last evaluated: 1999-04-06. Review status: no assertion criteria provided. Collection method: clinical testing. Allele origin: germline. Affected: yes. Observed: 2 variant alleles. Not counted in ClinVar's aggregate classification.

Literature cited by the submitters: PubMed 36169650 (cited by 3 submitters); PubMed 9406579 (cited by 4 submitters); PubMed 29446198 (cited by Quest Diagnostics Nichols Institute San Juan Capistrano).

NM_007294.4(BRCA1):c.2594del (p.Lys865fs)

Gene: BRCA1 (BRCA1 DNA repair associated; minus strand). Cytogenetic location: 17q21.31.
Variant type: Deletion.
Coding change: c.2594del on transcript NM_007294.4 (MANE Select); coding-DNA position 2594, one base deleted (A; older notation c.2594delA).
Protein change: p.Lys865fs; shifts the reading frame from lysine 865.
Molecular consequence: frameshift variant. On other transcripts: intron variant (137).
Genome position (GRCh38, 1-based): chr17:43,092,937, T deleted on the plus strand (A on the coding strand, the reverse complement: BRCA1 is on the minus strand); the first of 3 consecutive T bases (chr17:43,092,937-43,092,939); deleting any one gives the same sequence. VCF-style (leftmost placement, unchanged base first): chr17-43092936-CT-C. GRCh37 (hg19) VCF-style: chr17-41244953-CT-C.
Other names: 2711delA; 2713DELA; c.2594delA (NM_007294.3); c.787+1807delA (NM_007299.3); c.2594del, p.Lys865fs (NM_007300.4, NM_001407581.1, NM_001407582.1 and 30 more transcripts); c.646+1807del (NM_001408458.1, NM_001408469.1, NM_001408453.1 and 11 more transcripts); c.283+1807del (NM_001408512.1); c.406+1807del (NM_001408510.1); and 46 more; short protein forms K818fs, K865fs, K569fs, K738fs, K798fs, K817fs, K823fs, K754fs.
Identifiers: ClinVar variation 54612 (VCV000054612.21), dbSNP rs80357756, ClinGen allele CA001705.